The following is an entry in ClinVar:

ClinVar aggregate classification (germline): Uncertain significance (1 of 4 stars; one submission).

Submission:

Labcorp Genetics (formerly Invitae), Labcorp
Classification: Uncertain significance. Last evaluated: 2019-11-28. Review status: criteria provided, single submitter. Criteria: Invitae Variant Classification Sherloc (09022015). Collection method: clinical testing. Allele origin: germline.
Comment: This sequence change replaces proline with alanine at codon 303 of the COL9A1 protein (p.Pro303Ala). The proline residue is highly conserved and there is a small physicochemical difference between proline and alanine. This variant is not present in population databases (ExAC no frequency). This variant has not been reported in the literature in individuals with COL9A1-related conditions. Algorithms developed to predict the effect of missense changes on protein structure and function are either unavailable or do not agree on the potential impact of this missense change (SIFT: "Tolerated"; PolyPhen-2: "Not Available"; Align-GVGD: "Class C0"). In summary, the available evidence is currently insufficient to determine the role of this variant in disease. Therefore, it has been classified as a Variant of Uncertain Significance.

NM_001851.6(COL9A1):c.907C>G (p.Pro303Ala)

Gene: COL9A1 (collagen type IX alpha 1 chain; minus strand). Cytogenetic location: 6q13.
Variant type: single nucleotide variant.
Coding change: c.907C>G on transcript NM_001851.6 (MANE Select); coding-DNA position 907, C replaced by G.
Protein change: p.Pro303Ala; replaces proline 303 with alanine.
Molecular consequence: missense variant. On other transcripts: non-coding transcript variant (1).
Genome position (GRCh38, 1-based): chr6:70,281,009, G>C on the plus strand (C>G on the coding strand, the complement: COL9A1 is on the minus strand). VCF-style: chr6-70281009-G-C. GRCh37 (hg19) VCF-style: chr6-70990712-G-C.
Other names: c.178C>G, p.Pro60Ala (NM_001377289.1, NM_001377290.1, NM_078485.4); c.907C>G, p.Pro303Ala (NM_001377291.1); short protein forms P303A, P60A.
Identifiers: ClinVar variation 854863 (VCV000854863.9), dbSNP rs759319053, ClinGen allele CA364665836.
Genomic context (GRCh38, chr6:70,281,009, plus strand): 5'-TGCAAAACACGTCTAAAGGAAGGAAGTGGAGCGCCATATGCTCCAATCAACTTACCGGGG[G>C]GCCCGGGGGGCCCTTAGGACCTCGGTCACCCTGGAGGGGTAGGAGAAAAAGAGAGAGCAG-3'
Protein context (NP_001842.3, residues 293-313): GDRGPKGPPG[Pro303Ala]PGPAGEPGKP